The following is an entry in ClinVar:

ClinVar aggregate classification (germline): Uncertain significance (1 of 4 stars; one submission).

Allele frequency attached by ClinVar (database versions not stated): gnomAD exomes below 0.00001; TOPMed below 0.00001; ExAC 0.00001.
gnomAD v4.1: 7 of 1,613,278 alleles (0.00043%); highest among the groups gnomAD compares: Non-Finnish European, 0.00042%; no homozygotes.

Submission:

Labcorp Genetics (formerly Invitae), Labcorp
Classification: Uncertain significance. Last evaluated: 2024-06-10. Review status: criteria provided, single submitter. Criteria: Invitae Variant Classification Sherloc (09022015). Collection method: clinical testing. Allele origin: germline.
Comment: This sequence change replaces valine, which is neutral and non-polar, with leucine, which is neutral and non-polar, at codon 162 of the CLUAP1 protein (p.Val162Leu). This variant is present in population databases (rs754953837, gnomAD 0.0009%). This variant has not been reported in the literature in individuals affected with CLUAP1-related conditions. ClinVar contains an entry for this variant (Variation ID: 2000428). Advanced modeling of protein sequence and biophysical properties (such as structural, functional, and spatial information, amino acid conservation, physicochemical variation, residue mobility, and thermodynamic stability) performed at Invitae indicates that this missense variant is not expected to disrupt CLUAP1 protein function with a negative predictive value of 80%. In summary, the available evidence is currently insufficient to determine the role of this variant in disease. Therefore, it has been classified as a Variant of Uncertain Significance.

NM_015041.3(CLUAP1):c.484G>C (p.Val162Leu)

Gene: CLUAP1 (clusterin associated protein 1; plus strand). Cytogenetic location: 16p13.3.
Variant type: single nucleotide variant.
Coding change: c.484G>C on transcript NM_015041.3 (MANE Select); coding-DNA position 484, G replaced by C.
Protein change: p.Val162Leu; replaces valine 162 with leucine.
Molecular consequence: missense variant. On other transcripts: intron variant (1).
Genome position (GRCh38, 1-based): chr16:3,512,467, G>C. VCF-style: chr16-3512467-G-C. GRCh37 (hg19) VCF-style: chr16-3562467-G-C.
Other names: c.484G>C, p.Val162Leu (NM_001330454.2); c.-4+2498G>C (NM_024793.3); short protein forms V162L.
Identifiers: ClinVar variation 2000428 (VCV002000428.4), dbSNP rs754953837, ClinGen allele CA7863741.
Genomic context (GRCh38, chr16:3,512,467, plus strand): 5'-CAGCTTGCGTCTGAAATCACCTCCAAAGGAGCATCTCTGTATGACTTGCTCGGCATGGAA[G>C]TAGAGTTGAGGGTAAGCATTCCAGTACTTCCTTAACCATGCAGATTTTCTCTTCAAGGTT-3'
Protein context (NP_055856.1, residues 152-172): ASLYDLLGME[Val162Leu]ELREMRTEAI